The following is an entry in ClinVar:

ClinVar aggregate classification (germline): Pathogenic/Likely pathogenic. Review status: criteria provided, multiple submitters, no conflicts (2 of 4 stars). 5 submissions from 5 submitters: Pathogenic (4); Likely pathogenic (1). Last evaluated 2025-06-25.

Conditions:
Muscular dystrophy-dystroglycanopathy (congenital with brain and eye anomalies), type A14. Also called: Congenital Muscular Dystrophy-Dystroglycanopathy with Brain and Eye Anomalies Type A 14; Congenital muscular dystrophy-dystroglycanopathy with brain and eye anomalies, type A14; Muscular dystrophy-dystroglycanopathy (congenital with brain and eye anomalies), type a, 14; WALKER-WARBURG SYNDROME OR MUSCLE-EYE-BRAIN DISEASE, GMPPB-RELATED. Identifiers: Orphanet 588, MedGen C3809216, MONDO:0014140, OMIM 615350.
GMPPB-related disorder. Also called: GMPPB-related disorders; GMPPB-related condition.
Muscular dystrophy-dystroglycanopathy (congenital with impaired intellectual development), type B, 14. Also called: Congenital muscular dystrophy-dystroglycanopathy with mental retardation, type B14; MUSCULAR DYSTROPHY, CONGENITAL, GMPPB-RELATED; Muscular dystrophy-dystroglycanopathy (congenital with intellectual disability), type B14. Identifiers: MedGen C3809221, MONDO:0014141, OMIM 615351.
Autosomal recessive limb-girdle muscular dystrophy type 2T. Also called: Limb-girdle muscular dystrophy-dystroglycanopathy, type C14; MUSCULAR DYSTROPHY-DYSTROGLYCANOPATHY, LIMB-GIRDLE, GMPPB-RELATED; MUSCULAR DYSTROPHY, LIMB-GIRDLE, TYPE 2T; Muscular dystrophy-dystroglycanopathy (limb-girdle), type c, 14. Identifiers: Orphanet 363623, MedGen C4518000, MONDO:0014142, OMIM 615352.

Allele frequency attached by ClinVar (database versions not stated): TOPMed 0.00004; ESP Exome Variant Server 0.00008.

Submissions (5):

Mayo Clinic Laboratories, Mayo Clinic
Classification: Pathogenic. Last evaluated: 2025-06-25. Review status: criteria provided, single submitter. Criteria: ACMG Guidelines, 2015. Collection method: clinical testing. Allele origin: germline. Observed: 1 variant allele.
Comment: PM2_supporting, PM3, PM5, PVS1

Women's Health and Genetics/Laboratory Corporation of America, LabCorp
Classification: Likely pathogenic for GMPPB-Related Disorders. Last evaluated: 2024-09-25. Review status: criteria provided, single submitter. Criteria: LabCorp Variant Classification Summary - May 2015. Collection method: clinical testing. Allele origin: germline.
Comment: Variant summary: GMPPB c.640+1G>A is located in a canonical splice-site and is predicted to affect mRNA splicing resulting in a significantly altered protein due to either exon skipping, shortening, or inclusion of intronic material. Variants that disrupt the consensus splice site are a relatively common cause of aberrant splicing and loss of GMPPB function. Several computational tools predict a significant impact on normal splicing: Four predict the variant abolishes a 5' splicing donor site. However, these predictions have yet to be confirmed by functional studies. The variant allele was found at a frequency of 1.2e-05 in 251330 control chromosomes (gnomAD). c.640+1G>A has been reported in the literature in at least an individual affected with GMPPB-related disorders and was seen in trans with a pathogenic variant (example: Sullivan_2023) . To our knowledge, no experimental evidence demonstrating an impact on protein function has been reported. The following publication has been ascertained in the context of this evaluation (PMID: 37853563). ClinVar contains an entry for this variant (Variation ID: 640954). Based on the evidence outlined above, the variant was classified as likely pathogenic.

Labcorp Genetics (formerly Invitae), Labcorp
Classification: Pathogenic for Autosomal recessive limb-girdle muscular dystrophy type 2T; Muscular dystrophy-dystroglycanopathy (congenital with brain and eye anomalies), type A14; Muscular dystrophy-dystroglycanopathy (congenital with impaired intellectual development), type B, 14. Last evaluated: 2023-05-22. Review status: criteria provided, single submitter. Criteria: Invitae Variant Classification Sherloc (09022015). Collection method: clinical testing. Allele origin: germline.
Comment: For these reasons, this variant has been classified as Pathogenic. Algorithms developed to predict the effect of sequence changes on RNA splicing suggest that this variant may disrupt the consensus splice site. ClinVar contains an entry for this variant (Variation ID: 640954). Disruption of this splice site has been observed in individual(s) with clinical features of GMPPB-related conditions (Invitae). In at least one individual the data is consistent with being in trans (on the opposite chromosome) from a pathogenic variant. This variant is present in population databases (rs141588721, gnomAD 0.007%). This sequence change affects a donor splice site in intron 6 of the GMPPB gene. It is expected to disrupt RNA splicing. Variants that disrupt the donor or acceptor splice site typically lead to a loss of protein function (PMID: 16199547), and loss-of-function variants in GMPPB are known to be pathogenic (PMID: 23768512, 26310427).

Duke University Health System Sequencing Clinic, Duke University Health System
Classification: Pathogenic for Muscular dystrophy-dystroglycanopathy (congenital with brain and eye anomalies), type A14. Last evaluated: 2023-04-20. Review status: criteria provided, single submitter. Criteria: ACMG Guidelines, 2015. Collection method: research. Allele origin: paternal. Affected: yes.

GeneDx
Classification: Pathogenic. Last evaluated: 2021-12-14. Review status: criteria provided, single submitter. Criteria: GeneDx Variant Classification Process June 2021. Collection method: clinical testing. Allele origin: germline. Affected: yes.
Comment: Has not been previously published as pathogenic or benign to our knowledge; Not observed at a significant frequency in large population cohorts (Lek et al., 2016); Canonical splice site variant in a gene for which loss-of-function is a known mechanism of disease

Literature cited by the submitters: PubMed 37853563 (cited by Mayo Clinic Laboratories, Mayo Clinic and Women's Health and Genetics/Laboratory Corporation of America, LabCorp); PubMed 16199547 (cited by Labcorp Genetics (formerly Invitae), Labcorp); PubMed 23768512 (cited by Labcorp Genetics (formerly Invitae), Labcorp); PubMed 26310427 (cited by Labcorp Genetics (formerly Invitae), Labcorp).

NM_021971.4(GMPPB):c.640+1G>A

Gene: GMPPB (GDP-mannose pyrophosphorylase B; minus strand). Cytogenetic location: 3p21.31.
Variant type: single nucleotide variant.
Coding change: c.640+1G>A on transcript NM_021971.4 (MANE Select); the canonical splice donor site of the intron after coding-DNA position 640, G replaced by A.
Molecular consequence: splice donor variant.
Genome position (GRCh38, 1-based): chr3:49,722,431, C>T on the plus strand (G>A on the coding strand, the complement: GMPPB is on the minus strand). VCF-style: chr3-49722431-C-T. GRCh37 (hg19) VCF-style: chr3-49759864-C-T.
Other names: c.640+1G>A (NM_013334.4).
Identifiers: ClinVar variation 640954 (VCV000640954.14), dbSNP rs141588721, ClinGen allele CA2405495.
Genomic context (GRCh38, chr3:49,722,431, plus strand): 5'-ATGCATCAGGGGCCTCAGCCCAGCCACAGACCACCCCCACCCTGTGGCCTCCCTGCCTCA[C>T]CCTGTAACTCCATGGCATATAGCTGCCCCTCCTTGGCCATAATGGGGAAGACCTCCTTCT-3'